The following is an entry in ClinVar:

NM_001267550.2(TTN):c.95594A>T (p.Asp31865Val)

Genes: TTN (titin; minus strand), TTN-AS1 (TTN antisense RNA 1; plus strand). Cytogenetic location: 2q31.2.
Variant type: single nucleotide variant.
Coding change: c.95594A>T on transcript NM_001267550.2 (MANE Select); coding-DNA position 95594, A replaced by T.
Protein change: p.Asp31865Val; replaces aspartic acid 31865 with valine.
Molecular consequence: missense variant.
Genome position (GRCh38, 1-based): chr2:178,545,516, T>A on the plus strand (A>T on the coding strand, the complement: TTN is on the minus strand). VCF-style: chr2-178545516-T-A. GRCh37 (hg19) VCF-style: chr2-179410243-T-A.
Other names: c.90671A>T, p.Asp30224Val (NM_001256850.1); c.68399A>T, p.Asp22800Val (NM_003319.4); c.68774A>T, p.Asp22925Val (NM_133432.3); c.68975A>T, p.Asp22992Val (NM_133437.4); c.87890A>T, p.Asp29297Val (NM_133378.4); short protein forms D29297V, D31865V, D30224V, D22925V, D22992V, D22800V.
Identifiers: ClinVar variation 229546 (VCV000229546.5), dbSNP rs876658094, ClinGen allele CA10576458.
Genomic context (GRCh38, chr2:178,545,516, plus strand): 5'-GCGGTCACCCGGAACTGGTAATCACAACCCTCCATCAGGCTGGTCACCTTCAGCCTGGTA[T>A]CATACACCACATAGTCTTTGTTGACACGTGTCCAGCGCAGGCTCTTCTTCTCACGTTTGT-3'
Protein context (NP_001254479.2, residues 31855-31875): TRVNKDYVVY[Asp31865Val]TRLKVTSLME

ClinVar aggregate classification (germline): Uncertain significance (1 of 4 stars; one submission).

Submission:

Laboratory for Molecular Medicine, Mass General Brigham Personalized Medicine
Classification: Uncertain significance. Last evaluated: 2015-10-30. Review status: criteria provided, single submitter. Criteria: LMM Criteria. Collection method: clinical testing. Allele origin: germline. Observed: 1 variant allele.
Comment: The p.Asp29297Val variant in TTN has not been previously reported in individuals with cardiomyopathy and was absent from large population studies. Computational prediction tools and conservation analysis suggest that this variant may impact the protein, though this information is not predictive enough to determine path ogenicity. In summary, the clinical significance of the p.Asp29297Val variant is uncertain.